The following is an entry in ClinVar:

NM_001042492.3(NF1):c.3955T>C (p.Phe1319Leu)

Gene: NF1 (neurofibromin 1; plus strand). Cytogenetic location: 17q11.2.
Variant type: single nucleotide variant.
Coding change: c.3955T>C on transcript NM_001042492.3 (MANE Select); coding-DNA position 3955, T replaced by C.
Protein change: p.Phe1319Leu; replaces phenylalanine 1319 with leucine.
Molecular consequence: missense variant.
Genome position (GRCh38, 1-based): chr17:31,236,002, T>C. VCF-style: chr17-31236002-T-C. GRCh37 (hg19) VCF-style: chr17-29563020-T-C.
Other names: c.3955T>C, p.Phe1319Leu (NM_000267.4); short protein forms F1319L.
Identifiers: ClinVar variation 2132456 (VCV002132456.4), dbSNP rs755665232, ClinGen allele CA8486271.

ClinVar aggregate classification (germline): Uncertain significance (1 of 4 stars; one submission).

Conditions:
Neurofibromatosis, type 1 (NF1). Also called: Peripheral type neurofibromatosis; NEUROFIBROMATOSIS, TYPE I, SOMATIC; Neurofibromatosis, type I; VON RECKLINGHAUSEN DISEASE. Identifiers: Orphanet 636, MedGen C0027831, MONDO:0018975, OMIM 162200. Disease mechanism: loss of function.

Allele frequency attached by ClinVar (database versions not stated): TOPMed below 0.00001; ExAC 0.00001; gnomAD 0.00001; gnomAD exomes 0.00001.
gnomAD v4.1: 6 of 1,613,918 alleles (0.00037%); highest among the groups gnomAD compares: South Asian, 0.0066%; no homozygotes.

Submission:

Labcorp Genetics (formerly Invitae), Labcorp
Classification: Uncertain significance for Neurofibromatosis, type 1. Last evaluated: 2022-05-01. Review status: criteria provided, single submitter. Criteria: Invitae Variant Classification Sherloc (09022015). Collection method: clinical testing. Allele origin: germline.
Comment: This sequence change replaces phenylalanine, which is neutral and non-polar, with leucine, which is neutral and non-polar, at codon 1319 of the NF1 protein (p.Phe1319Leu). This variant is present in population databases (rs755665232, gnomAD 0.01%). This variant has not been reported in the literature in individuals affected with NF1-related conditions. Advanced modeling of protein sequence and biophysical properties (such as structural, functional, and spatial information, amino acid conservation, physicochemical variation, residue mobility, and thermodynamic stability) performed at Invitae indicates that this missense variant is expected to disrupt NF1 protein function. In summary, the available evidence is currently insufficient to determine the role of this variant in disease. Therefore, it has been classified as a Variant of Uncertain Significance.